The following is an entry in ClinVar:

NM_004364.5(CEBPA):c.811G>T (p.Ala271Ser)

Gene: CEBPA (CCAAT enhancer binding protein alpha; minus strand). Cytogenetic location: 19q13.11.
Variant type: single nucleotide variant.
Coding change: c.811G>T on transcript NM_004364.5 (MANE Select); coding-DNA position 811, G replaced by T.
Protein change: p.Ala271Ser; replaces alanine 271 with serine.
Molecular consequence: missense variant.
Genome position (GRCh38, 1-based): chr19:33,301,604, C>A on the plus strand (G>T on the coding strand, the complement: CEBPA is on the minus strand). VCF-style: chr19-33301604-C-A. GRCh37 (hg19) VCF-style: chr19-33792510-C-A.
Other names: c.454G>T, p.Ala152Ser (NM_001285829.2); c.916G>T, p.Ala306Ser (NM_001287424.2); c.769G>T, p.Ala257Ser (NM_001287435.2); c.811G>T (NM_004364.3); short protein forms A306S, A152S, A257S, A271S.
Identifiers: ClinVar variation 854868 (VCV000854868.7), dbSNP rs756632245, ClinGen allele CA405274165.

ClinVar aggregate classification (germline): Conflicting classifications of pathogenicity. Review status: criteria provided, conflicting classifications (1 of 4 stars). 2 submissions from 2 submitters: Uncertain significance (1); Likely benign (1). Last evaluated 2026-07-17.

Conditions:
Inborn genetic diseases. Identifiers: MedGen C0950123, MeSH D030342.
Acute myeloid leukemia (AML). Also called: Acute myeloid leukemia, adult; AML adult; Acute non-lymphocytic leukemia; Acute granulocytic leukemia; Leukemia, acute myeloid, somatic; Leukemia, acute myelogenous, somatic. Identifiers: Orphanet 519, MedGen C0023467, MeSH D015470, MONDO:0018874, OMIM 601626, HP:0004808. Disease mechanism: Constitutively activated FLT3.

Submissions (2):

Ambry Genetics
Classification: Likely benign for Inborn genetic diseases. Last evaluated: 2026-07-17. Review status: criteria provided, single submitter. Criteria: Ambry Variant Classification Scheme 2023. Collection method: clinical testing. Allele origin: germline.

Labcorp Genetics (formerly Invitae), Labcorp
Classification: Uncertain significance for Acute myeloid leukemia. Last evaluated: 2023-05-30. Review status: criteria provided, single submitter. Criteria: Invitae Variant Classification Sherloc (09022015). Collection method: clinical testing. Allele origin: germline.
Comment: In summary, the available evidence is currently insufficient to determine the role of this variant in disease. Therefore, it has been classified as a Variant of Uncertain Significance. Advanced modeling of protein sequence and biophysical properties (such as structural, functional, and spatial information, amino acid conservation, physicochemical variation, residue mobility, and thermodynamic stability) performed at Invitae indicates that this missense variant is not expected to disrupt CEBPA protein function. ClinVar contains an entry for this variant (Variation ID: 854868). This variant has not been reported in the literature in individuals affected with CEBPA-related conditions. This variant is not present in population databases (gnomAD no frequency). This sequence change replaces alanine, which is neutral and non-polar, with serine, which is neutral and polar, at codon 271 of the CEBPA protein (p.Ala271Ser).